The following is an entry in ClinVar:

ClinVar aggregate classification (germline): Likely pathogenic (1 of 4 stars; one submission).

Conditions:
Developmental delay with variable intellectual impairment and behavioral abnormalities. Identifiers: MedGen C5193092, MONDO:0032745, OMIM 618430.

Submission:

Laboratorio de Genetica e Diagnostico Molecular, Hospital Israelita Albert Einstein
Classification: Likely pathogenic for Developmental delay with variable intellectual impairment and behavioral abnormalities. Last evaluated: 2024-06-17. Review status: criteria provided, single submitter. Criteria: ACMG Guidelines, 2015. Collection method: clinical testing. Allele origin: germline. Affected: yes.
Comment: ACMG classification criteria: PVS1 very strong, PM2 supporting

NM_001378418.1(TCF20):c.5326G>T (p.Glu1776Ter)

Gene: TCF20 (transcription factor 20; minus strand). Cytogenetic location: 22q13.2.
Variant type: single nucleotide variant.
Coding change: c.5326G>T on transcript NM_001378418.1 (MANE Select); coding-DNA position 5326, G replaced by T.
Protein change: p.Glu1776Ter; replaces glutamic acid 1776 with a stop codon.
Molecular consequence: nonsense.
Genome position (GRCh38, 1-based): chr22:42,209,980, C>A on the plus strand (G>T on the coding strand, the complement: TCF20 is on the minus strand). VCF-style: chr22-42209980-C-A. GRCh37 (hg19) VCF-style: chr22-42605986-C-A.
Other names: c.5326G>T, p.Glu1776Ter (NM_005650.4, NM_181492.3); short protein forms E1776*.
Identifiers: ClinVar variation 4076247 (VCV004076247.1).